The following is an entry in ClinVar:

NM_000018.4(ACADVL):c.475C>G (p.Gln159Glu)

Gene: ACADVL (acyl-CoA dehydrogenase very long chain; plus strand). Cytogenetic location: 17p13.1.
Variant type: single nucleotide variant.
Coding change: c.475C>G on transcript NM_000018.4 (MANE Select); coding-DNA position 475, C replaced by G.
Protein change: p.Gln159Glu; replaces glutamine 159 with glutamic acid.
Molecular consequence: missense variant.
Genome position (GRCh38, 1-based): chr17:7,221,056, C>G. VCF-style: chr17-7221056-C-G. GRCh37 (hg19) VCF-style: chr17-7124375-C-G.
Other names: c.409C>G, p.Gln137Glu (NM_001033859.3); c.544C>G, p.Gln182Glu (NM_001270447.2); c.247C>G, p.Gln83Glu (NM_001270448.2); short protein forms Q159E, Q182E, Q137E, Q83E.
Identifiers: ClinVar variation 1484255 (VCV001484255.6), dbSNP rs779650201, ClinGen allele CA8337703.

ClinVar aggregate classification (germline): Uncertain significance (1 of 4 stars; one submission).

Conditions:
Very long chain acyl-CoA dehydrogenase deficiency (ACADVLD). Also called: VLCAD Deficiency; Very Long-Chain Acyl-Coenzyme A Dehydrogenase Deficiency. Identifiers: Orphanet 26793, MedGen C3887523, MONDO:0008723, OMIM 201475.

Allele frequency attached by ClinVar (database versions not stated): gnomAD exomes below 0.00001 and 0.00001; ExAC 0.00001.

Submission:

Labcorp Genetics (formerly Invitae), Labcorp
Classification: Uncertain significance for Very long chain acyl-CoA dehydrogenase deficiency. Last evaluated: 2022-09-01. Review status: criteria provided, single submitter. Criteria: Invitae Variant Classification Sherloc (09022015). Collection method: clinical testing. Allele origin: germline.
Comment: ClinVar contains an entry for this variant (Variation ID: 1484255). This variant has not been reported in the literature in individuals affected with ACADVL-related conditions. This variant is present in population databases (rs779650201, gnomAD 0.003%). This sequence change replaces glutamine, which is neutral and polar, with glutamic acid, which is acidic and polar, at codon 159 of the ACADVL protein (p.Gln159Glu). Algorithms developed to predict the effect of missense changes on protein structure and function (SIFT, PolyPhen-2, Align-GVGD) all suggest that this variant is likely to be disruptive. In summary, the available evidence is currently insufficient to determine the role of this variant in disease. Therefore, it has been classified as a Variant of Uncertain Significance.